The following is an entry in ClinVar:

NM_018191.4(RCBTB1):c.711+1G>C

Gene: RCBTB1 (RCC1 and BTB domain containing protein 1; minus strand). Cytogenetic location: 13q14.2.
Variant type: single nucleotide variant.
Coding change: c.711+1G>C on transcript NM_018191.4 (MANE Select); the canonical splice donor site of the intron after coding-DNA position 711, G replaced by C.
Molecular consequence: splice donor variant.
Genome position (GRCh38, 1-based): chr13:49,552,177, C>G on the plus strand (G>C on the coding strand, the complement: RCBTB1 is on the minus strand). VCF-style: chr13-49552177-C-G. GRCh37 (hg19) VCF-style: chr13-50126313-C-G.
Other names: c.711+1G>C (NM_001352501.2, NM_001352502.2, NM_001352503.2 and 3 more transcripts); c.132+1G>C (NM_001352506.2).
Identifiers: ClinVar variation 3686838 (VCV003686838.2).
Genomic context (GRCh38, chr13:49,552,177, plus strand): 5'-CTCCAAGTTAGAGCAAGGAAGGTAGATGGGAAGCCACTAACTGAGAGTGCACCACACGTA[C>G]CTGGTTCACACACACGCTGTGCAAAGCTGCCACTCTCACAGGGGTCAGCTGGTTGCCATT-3'

ClinVar aggregate classification (germline): Likely pathogenic (1 of 4 stars; one submission).

gnomAD v4.1: 3 of 1,565,480 alleles (0.00019%); highest among the groups gnomAD compares: Non-Finnish European, 0.00017%; no homozygotes.

Submission:

Labcorp Genetics (formerly Invitae), Labcorp
Classification: Likely pathogenic. Last evaluated: 2024-04-12. Review status: criteria provided, single submitter. Criteria: Invitae Variant Classification Sherloc (09022015). Collection method: clinical testing. Allele origin: germline.
Comment: This sequence change affects a donor splice site in intron 7 of the RCBTB1 gene. It is expected to disrupt RNA splicing. Variants that disrupt the donor or acceptor splice site typically lead to a loss of protein function (PMID: 16199547), and loss-of-function variants in RCBTB1 are known to be pathogenic (PMID: 31494449). This variant is present in population databases (rs761341486, gnomAD 0.001%). This variant has not been reported in the literature in individuals affected with RCBTB1-related conditions. Algorithms developed to predict the effect of sequence changes on RNA splicing suggest that this variant may disrupt the consensus splice site. In summary, the currently available evidence indicates that the variant is pathogenic, but additional data are needed to prove that conclusively. Therefore, this variant has been classified as Likely Pathogenic.

Literature cited by the submitters: PubMed 16199547; PubMed 31494449.